The following is an entry in ClinVar:

NM_000171.4(GLRA1):c.1286T>C (p.Ile429Thr)

Gene: GLRA1 (glycine receptor alpha 1; minus strand). Cytogenetic location: 5q33.1.
Variant type: single nucleotide variant.
Coding change: c.1286T>C on transcript NM_000171.4 (MANE Select); coding-DNA position 1286, T replaced by C.
Protein change: p.Ile429Thr; replaces isoleucine 429 with threonine.
Molecular consequence: missense variant.
Genome position (GRCh38, 1-based): chr5:151,822,737, A>G on the plus strand (T>C on the coding strand, the complement: GLRA1 is on the minus strand). VCF-style: chr5-151822737-A-G. GRCh37 (hg19) VCF-style: chr5-151202298-A-G.
Other names: c.1310T>C, p.Ile437Thr (NM_001146040.2); c.1037T>C, p.Ile346Thr (NM_001292000.2); short protein forms I346T, I429T, I437T.
Identifiers: ClinVar variation 1473395 (VCV001473395.8), dbSNP rs2113276406, ClinGen allele CA361849754.

ClinVar aggregate classification (germline): Uncertain significance (1 of 4 stars; one submission).

Conditions:
Hereditary hyperekplexia. Identifiers: Orphanet 3197, MedGen C4084968, MONDO:0021022.

Allele frequency attached by ClinVar (database versions not stated): gnomAD exomes below 0.00001.
gnomAD v4.1: 1 of 1,613,976 alleles (0.000062%); highest among the groups gnomAD compares: Non-Finnish European, 0.000085%; no homozygotes.

Submission:

Labcorp Genetics (formerly Invitae), Labcorp
Classification: Uncertain significance for Hereditary hyperekplexia. Last evaluated: 2022-10-03. Review status: criteria provided, single submitter. Criteria: Invitae Variant Classification Sherloc (09022015). Collection method: clinical testing. Allele origin: germline.
Comment: In summary, the available evidence is currently insufficient to determine the role of this variant in disease. Therefore, it has been classified as a Variant of Uncertain Significance. Advanced modeling of protein sequence and biophysical properties (such as structural, functional, and spatial information, amino acid conservation, physicochemical variation, residue mobility, and thermodynamic stability) has been performed at Invitae for this missense variant, however the output from this modeling did not meet the statistical confidence thresholds required to predict the impact of this variant on GLRA1 protein function. ClinVar contains an entry for this variant (Variation ID: 1473395). This variant has not been reported in the literature in individuals affected with GLRA1-related conditions. This variant is not present in population databases (gnomAD no frequency). This sequence change replaces isoleucine, which is neutral and non-polar, with threonine, which is neutral and polar, at codon 429 of the GLRA1 protein (p.Ile429Thr).